The following is an entry in ClinVar:

NM_001367949.2(FAT3):c.11431G>C (p.Val3811Leu)

Gene: FAT3 (FAT atypical cadherin 3; plus strand). Cytogenetic location: 11q14.3.
Variant type: single nucleotide variant.
Coding change: c.11431G>C on transcript NM_001367949.2 (MANE Select); coding-DNA position 11431, G replaced by C.
Protein change: p.Val3811Leu; replaces valine 3811 with leucine.
Molecular consequence: missense variant.
Genome position (GRCh38, 1-based): chr11:92,857,279, G>C. VCF-style: chr11-92857279-G-C. GRCh37 (hg19) VCF-style: chr11-92590445-G-C.
Other names: c.11431G>C, p.Val3811Leu (NM_001008781.3); short protein forms V3811L.
Identifiers: ClinVar variation 3356902 (VCV003356902.1).

ClinVar aggregate classification (germline): Uncertain significance (0 of 4 stars; one submission).

Conditions:
FAT3-related disorder. Also called: FAT3-related condition.

Submission:

PreventionGenetics, part of Exact Sciences
Classification: Uncertain significance for FAT3-related condition. Last evaluated: 2024-08-23. Review status: no assertion criteria provided. Collection method: clinical testing. Allele origin: germline.
Comment: The FAT3 c.11431G>C variant is predicted to result in the amino acid substitution p.Val3811Leu. To our knowledge, this variant has not been reported in the literature or in a large population database, indicating this variant is rare. At this time, the clinical significance of this variant is uncertain due to the absence of conclusive functional and genetic evidence.